The following is an entry in ClinVar:

ClinVar aggregate classification (germline): Benign (0 of 4 stars; one submission).

Conditions:
PNPLA5-related disorder. Also called: PNPLA5-related condition.

Allele frequency attached by ClinVar (database versions not stated): ExAC 0.00071; ESP Exome Variant Server 0.00200; gnomAD 0.00217; TOPMed 0.00227; 1000 Genomes Project 0.00280; 1000 Genomes Project 30x 0.00297.

Submission:

PreventionGenetics, part of Exact Sciences
Classification: Benign for PNPLA5-related condition. Last evaluated: 2019-06-21. Review status: no assertion criteria provided. Collection method: clinical testing. Allele origin: germline.
Comment: This variant is classified as benign based on ACMG/AMP sequence variant interpretation guidelines (Richards et al. 2015 PMID: 25741868, with internal and published modifications).

NM_138814.4(PNPLA5):c.478G>A (p.Glu160Lys)

Gene: PNPLA5 (patatin like domain 5, triacylglycerol lipase; minus strand). Cytogenetic location: 22q13.31.
Variant type: single nucleotide variant.
Coding change: c.478G>A on transcript NM_138814.4 (MANE Select); coding-DNA position 478, G replaced by A.
Protein change: p.Glu160Lys; replaces glutamic acid 160 with lysine.
Molecular consequence: missense variant. On other transcripts: intron variant (1).
Genome position (GRCh38, 1-based): chr22:43,889,813, C>T on the plus strand (G>A on the coding strand, the complement: PNPLA5 is on the minus strand). VCF-style: chr22-43889813-C-T. GRCh37 (hg19) VCF-style: chr22-44285693-C-T.
Other names: c.101G>A, p.Arg34Gln (NM_001371410.1); c.194-318G>A (NM_001177675.2); short protein forms E160K, R34Q.
Identifiers: ClinVar variation 3039362 (VCV003039362.2), dbSNP rs140099101, ClinGen allele CA10277617.